The following is an entry in ClinVar:

ClinVar aggregate classification (germline): Likely benign (1 of 4 stars; one submission).

Allele frequency attached by ClinVar (database versions not stated): gnomAD exomes below 0.00001.
gnomAD v4.1: 1 of 1,614,050 alleles (0.000062%); highest among the groups gnomAD compares: Non-Finnish European, 0.000085%; no homozygotes.

Submission:

CeGaT Center for Human Genetics Tuebingen
Classification: Likely benign. Last evaluated: 2024-02-01. Review status: criteria provided, single submitter. Criteria: CeGaT Center For Human Genetics Tuebingen Variant Classification Criteria Version 2. Collection method: clinical testing. Allele origin: germline. Affected: yes. Observed: 1 variant allele.
Comment: SETD5: PM2:Supporting, BP4, BP7

NM_001080517.3(SETD5):c.1734C>T (p.Ser578=)

Gene: SETD5 (SET domain containing 5; plus strand). Cytogenetic location: 3p25.3.
Variant type: single nucleotide variant.
Coding change: c.1734C>T on transcript NM_001080517.3 (MANE Select); coding-DNA position 1734, C replaced by T.
Protein change: p.Ser578=; no amino-acid change (serine 578 retained).
Molecular consequence: synonymous variant.
Genome position (GRCh38, 1-based): chr3:9,447,259, C>T. VCF-style: chr3-9447259-C-T. GRCh37 (hg19) VCF-style: chr3-9488943-C-T.
Other names: c.1440C>T, p.Ser480= (NM_001292043.2, NM_001349451.2).
Identifiers: ClinVar variation 3027220 (VCV003027220.22), dbSNP rs2472942174, ClinGen allele CA432527958.
Genomic context (GRCh38, chr3:9,447,259, plus strand): 5'-AAAAACTGAAGCCCCTGAATCTGAAGTTAGCAACTCTGTTTCAAATGTTACCATCCCAAG[C>T]ACCCCACAGAGTGTTGGTGTGAATACCCGGAGGTCTTCCCAAGCAGGGGTAAGAGTTGAA-3'
Protein context (NP_001073986.1, residues 568-588): SNSVSNVTIP[Ser578=]TPQSVGVNTR